The following is an entry in ClinVar:

NM_001003694.2(BRPF1):c.2525G>A (p.Arg842Gln)

Gene: BRPF1 (bromodomain and PHD finger containing 1; plus strand). Cytogenetic location: 3p25.3.
Variant type: single nucleotide variant.
Coding change: c.2525G>A on transcript NM_001003694.2 (MANE Select); coding-DNA position 2525, G replaced by A.
Protein change: p.Arg842Gln; replaces arginine 842 with glutamine.
Molecular consequence: missense variant. On other transcripts: non-coding transcript variant (1).
Genome position (GRCh38, 1-based): chr3:9,743,791, G>A. VCF-style: chr3-9743791-G-A. GRCh37 (hg19) VCF-style: chr3-9785475-G-A.
Other names: c.2507G>A, p.Arg836Gln (NM_001319049.2, NM_004634.3); c.2504G>A, p.Arg835Gln (NM_001319050.2); short protein forms R836Q, R835Q, R842Q.
Identifiers: ClinVar variation 750331 (VCV000750331.9), dbSNP rs368809369, ClinGen allele CA2242144.

ClinVar aggregate classification (germline): Benign/Likely benign. Review status: criteria provided, multiple submitters, no conflicts (2 of 4 stars). 4 submissions from 4 submitters: Benign (1); Likely benign (2). 1 of the submissions does not count toward it. Last evaluated 2026-04-01.

Conditions:
BRPF1-related disorder. Also called: BRPF1-related condition.
Inborn genetic diseases. Identifiers: MedGen C0950123, MeSH D030342.

Allele frequency attached by ClinVar (database versions not stated): TOPMed 0.00003; ExAC 0.00007; gnomAD exomes 0.00011; 1000 Genomes Project 30x 0.00016; 1000 Genomes Project 0.00020.

Submissions (4):

CeGaT Center for Human Genetics Tuebingen
Classification: Benign. Last evaluated: 2026-04-01. Review status: criteria provided, single submitter. Criteria: CeGaT Center For Human Genetics Tuebingen Variant Classification Criteria Version 2. Collection method: clinical testing. Allele origin: germline. Affected: yes. Observed: 1 variant allele.
Comment: BRPF1: BS1, BS2

Ambry Genetics
Classification: Likely benign for Inborn genetic diseases. Last evaluated: 2023-04-18. Review status: criteria provided, single submitter. Criteria: Ambry Variant Classification Scheme 2023. Collection method: clinical testing. Allele origin: germline.

Labcorp Genetics (formerly Invitae), Labcorp
Classification: Likely benign. Last evaluated: 2018-06-22. Review status: criteria provided, single submitter. Criteria: Invitae Variant Classification Sherloc (09022015). Collection method: clinical testing. Allele origin: germline.

PreventionGenetics, part of Exact Sciences
Classification: Likely benign for BRPF1-related condition. Last evaluated: 2019-02-20. Review status: no assertion criteria provided. Collection method: clinical testing. Allele origin: germline. Not counted in ClinVar's aggregate classification.
Comment: This variant is classified as likely benign based on ACMG/AMP sequence variant interpretation guidelines (Richards et al. 2015 PMID: 25741868, with internal and published modifications).